The following is an entry in ClinVar:

ClinVar aggregate classification (germline): Pathogenic/Likely pathogenic. Review status: criteria provided, multiple submitters, no conflicts (2 of 4 stars). 5 submissions from 5 submitters: Pathogenic (2); Likely pathogenic (3). Last evaluated 2026-01-11.

Conditions:
Bardet-Biedl syndrome 4 (BBS4). Identifiers: Orphanet 110, MedGen C2936864, MONDO:0014433, OMIM 615982.
Bardet-Biedl syndrome (BBS). Identifiers: Orphanet 110, MedGen C0752166, MONDO:0015229.
BBS4-related disorder. Also called: BBS4-related condition.

Allele frequency attached by ClinVar (database versions not stated): gnomAD 0.00001; TOPMed 0.00001; ExAC 0.00002; gnomAD exomes 0.00002.

Submissions (5):

Labcorp Genetics (formerly Invitae), Labcorp
Classification: Pathogenic for Bardet-Biedl syndrome. Last evaluated: 2026-01-11. Review status: criteria provided, single submitter. Criteria: Invitae Variant Classification Sherloc (09022015). Collection method: clinical testing. Allele origin: germline.
Comment: This sequence change creates a premature translational stop signal (p.Thr206Asnfs*18) in the BBS4 gene. It is expected to result in an absent or disrupted protein product. Loss-of-function variants in BBS4 are known to be pathogenic (PMID: 11381270, 12016587, 20177705, 26355662, 27894351). This variant is present in population databases (rs775903241, gnomAD 0.002%). This variant has not been reported in the literature in individuals affected with BBS4-related conditions. ClinVar contains an entry for this variant (Variation ID: 2192610). For these reasons, this variant has been classified as Pathogenic.

Women's Health and Genetics/Laboratory Corporation of America, LabCorp
Classification: Pathogenic for Bardet-Biedl syndrome. Last evaluated: 2024-11-06. Review status: criteria provided, single submitter. Criteria: LabCorp Variant Classification Summary - May 2015. Collection method: clinical testing. Allele origin: germline.
Comment: Variant summary: BBS4 c.616dupA (p.Thr206AsnfsX18) results in a premature termination codon, predicted to cause a truncation of the encoded protein or absence of the protein due to nonsense mediated decay, which are commonly known mechanisms for disease. The variant allele was found at a frequency of 1.2e-05 in 251310 control chromosomes. To our knowledge, no occurrence of c.616dupA in individuals affected with Bardet-Biedl Syndrome and no experimental evidence demonstrating its impact on protein function have been reported. ClinVar contains an entry for this variant (Variation ID: 2192610). Based on the evidence outlined above, the variant was classified as pathogenic.

Fulgent Genetics
Classification: Likely pathogenic for Bardet-Biedl syndrome 4. Last evaluated: 2024-04-20. Review status: criteria provided, single submitter. Criteria: ACMG Guidelines, 2015. Collection method: clinical testing. Allele origin: germline.

Blueprint Genetics
Classification: Likely pathogenic for BBS4-related disorders. Last evaluated: 2023-10-12. Review status: criteria provided, single submitter. Criteria: ACMG Guidelines, 2015. Collection method: clinical testing. Allele origin: germline. Affected: yes. Observed: 5 variant alleles.

PreventionGenetics, part of Exact Sciences
Classification: Likely pathogenic for BBS4-related condition. Last evaluated: 2023-08-02. Review status: criteria provided, single submitter. Criteria: ACMG Guidelines, 2015. Collection method: clinical testing. Allele origin: germline.
Comment: The BBS4 c.616dupA variant is predicted to result in a frameshift and premature protein termination (p.Thr206Asnfs*18). To our knowledge, this variant has not been reported in the literature. This variant is reported in 0.0018% of alleles in individuals of European (Non-Finnish) descent in gnomAD. Frameshift variants in BBS4 are expected to be pathogenic. Therefore we interpret c.616dup (p.Thr206Asnfs*18) as likely pathogenic.

Literature cited by the submitters: PubMed 11381270 (cited by Labcorp Genetics (formerly Invitae), Labcorp); PubMed 12016587 (cited by Labcorp Genetics (formerly Invitae), Labcorp); PubMed 20177705 (cited by Labcorp Genetics (formerly Invitae), Labcorp); PubMed 26355662 (cited by Labcorp Genetics (formerly Invitae), Labcorp); PubMed 27894351 (cited by Labcorp Genetics (formerly Invitae), Labcorp); PubMed 31964843 (cited by Women's Health and Genetics/Laboratory Corporation of America, LabCorp).

NM_033028.5(BBS4):c.616dup (p.Thr206fs)

Gene: BBS4 (Bardet-Biedl syndrome 4; plus strand). Cytogenetic location: 15q24.1.
Variant type: Duplication.
Coding change: c.616dup on transcript NM_033028.5 (MANE Select); coding-DNA position 616, one base duplicated (A; older notation c.616dupA).
Protein change: p.Thr206fs; shifts the reading frame from threonine 206.
Molecular consequence: frameshift variant. On other transcripts: non-coding transcript variant (2).
Genome position (GRCh38, 1-based): chr15:72,727,968, A duplicated. VCF-style (leftmost placement, unchanged base first): chr15-72727967-T-TA. GRCh37 (hg19) VCF-style: chr15-73020308-T-TA.
Other names: c.616dupA (NM_033028.5); c.100dup, p.Thr34fs (NM_001252678.2); c.616dup, p.Thr206fs (NM_001320665.2); short protein forms T206fs, T34fs.
Identifiers: ClinVar variation 2192610 (VCV002192610.10), dbSNP rs775903241, ClinGen allele CA7646695.